The following is an entry in ClinVar:

ClinVar aggregate classification (germline): Conflicting classifications of pathogenicity. Review status: criteria provided, conflicting classifications (1 of 4 stars). 10 submissions from 10 submitters: Likely pathogenic (6); Uncertain significance (2). 2 of the submissions do not count toward it. Last evaluated 2026-09-10.

Conditions:
PLA2G6-associated neurodegeneration (PLAN). Also called: phospholipase A2-associated neurodegeneration. Identifiers: Orphanet 329303, MedGen CN204472, MONDO:0017998.
Infantile neuroaxonal dystrophy (NBIA2A). Also called: SEITELBERGER DISEASE; Infantile neuroaxonal dystrophy 1; NEURODEGENERATION WITH BRAIN IRON ACCUMULATION 2A. Identifiers: Orphanet 35069, MedGen C0270724, MONDO:0024457, OMIM 256600.
Neurodegeneration with brain iron accumulation 2B. Also called: aNAD; atypical Neuroaxonal Dystrophy (aNAD); NEUROAXONAL DYSTROPHY, ATYPICAL; NEURODEGENERATION WITH BRAIN IRON ACCUMULATION, PLA2G6-RELATED. Identifiers: Orphanet 35069, MedGen C1857747, MONDO:0012444, OMIM 610217.
Autosomal recessive Parkinson disease 14. Also called: DYSTONIA-PARKINSONISM, ADULT-ONSET; PARKINSON DISEASE 14. Identifiers: Orphanet 199351, MedGen C2751842, MONDO:0013060, OMIM 612953.
Neurodegeneration with brain iron accumulation (NBIA). Identifiers: Orphanet 385, MedGen C2931845, MONDO:0018307.

Allele frequency attached by ClinVar (database versions not stated): ExAC 0.00039; 1000 Genomes Project 30x 0.00031; TOPMed 0.00036; gnomAD exomes 0.00012 and 0.00030; 1000 Genomes Project 0.00020; gnomAD 0.00029 and 0.00031; ESP Exome Variant Server 0.00054.
gnomAD v4.1: 454 of 1,563,608 alleles (0.029%); highest among the groups gnomAD compares: Middle Eastern, 0.083%; 1 homozygote.

Submissions (10):

GeneDx
Classification: Likely pathogenic. Last evaluated: 2026-09-10. Review status: criteria provided, single submitter. Criteria: GeneDx Variant Classification Process June 2021. Collection method: clinical testing. Allele origin: germline.
Comment: Reported along with another PLA2G6 variant in a patient with neurodegeneration with brain iron accumulation; however, segregation information was not provided (PMID: 29395073); Reported in a cohort of patients with early-onset Parkinson disease and not detected in 83 control individuals; however, additional clinical information and segregation information were not provided (PMID: 30232368); In silico analysis supports that this missense variant has a deleterious effect on protein structure/function; This variant is associated with the following publications: (PMID: 34426522, 35911906, Schmaderer2023[casestudy], 34758253, 33279242, 37139542, 34622992, 38699051, 29395073, 30232368, 29913018, 29859652, 39825153, Neringa Pratuseviciute_ResearchSquare, 40792120, 41058593, 40362326)

Labcorp Genetics (formerly Invitae), Labcorp
Classification: Likely pathogenic for Infantile neuroaxonal dystrophy. Last evaluated: 2026-01-24. Review status: criteria provided, single submitter. Criteria: Invitae Variant Classification Sherloc (09022015). Collection method: clinical testing. Allele origin: germline.
Comment: This sequence change replaces threonine, which is neutral and polar, with methionine, which is neutral and non-polar, at codon 319 of the PLA2G6 protein (p.Thr319Met). The frequency data for this variant in the population databases is considered unreliable, as metrics indicate poor data quality at this position in the gnomAD database. This missense change has been observed in individual(s) with clinical features of PLA2G6-related conditions and/or PLA2G6-related conditions (PMID: 29395073, 29913018, 30232368, 33279242, 34622992; internal data). In at least one individual the data is consistent with being in trans (on the opposite chromosome) from a pathogenic variant. ClinVar contains an entry for this variant (Variation ID: 847008). Invitae Evidence Modeling of protein sequence and biophysical properties (such as structural, functional, and spatial information, amino acid conservation, physicochemical variation, residue mobility, and thermodynamic stability) indicates that this missense variant is not expected to disrupt PLA2G6 protein function with a negative predictive value of 80%. In summary, the currently available evidence indicates that the variant is pathogenic, but additional data are needed to prove that conclusively. Therefore, this variant has been classified as Likely Pathogenic.

First Genomix Gene Laboratory, Genetic Diagnostics Department
Classification: Likely pathogenic for Infantile neuroaxonal dystrophy; Neurodegeneration with brain iron accumulation 2B; Autosomal recessive Parkinson disease 14. Last evaluated: 2025-06-19. Review status: criteria provided, single submitter. Criteria: ACMG Guidelines, 2015. Collection method: clinical testing. Allele origin: germline. Inheritance: Autosomal recessive inheritance. Affected: no. Observed: 1 variant allele.

Women's Health and Genetics/Laboratory Corporation of America, LabCorp
Classification: Likely pathogenic for Neurodegeneration with brain iron accumulation. Last evaluated: 2025-05-21. Review status: criteria provided, single submitter. Criteria: LabCorp Variant Classification Summary - May 2015. Collection method: clinical testing. Allele origin: germline.
Comment: Variant summary: PLA2G6 c.956C>T (p.Thr319Met) results in a non-conservative amino acid change located in the Ankyrin repeat (IPR002110) of the encoded protein sequence. Algorithms developed to predict the effect of missense changes on protein structure and function all suggest that this variant is likely to be disruptive. The variant allele was found at a frequency of 0.00012 in 174140 control chromosomes. This frequency is not significantly higher than estimated for a pathogenic variant in PLA2G6 causing Neurodegeneration With Brain Iron Accumulation (0.00012 vs 0.00085), allowing no conclusion about variant significance. c.956C>T has been observed in individual(s) affected with Neurodegeneration (Drecourt_2018, Gitiaux_2018, Shen_2018, Montaut_2018, Liu_2021, Magrinelli_2022, LCG internal data). These data indicate that the variant is likely to be associated with disease. To our knowledge, no experimental evidence demonstrating an impact on protein function has been reported. The following publications have been ascertained in the context of this evaluation (PMID: 29395073, 29859652, 33279242, 34622992, 29913018, 30232368, No PMID). ClinVar contains an entry for this variant (Variation ID: 847008). Based on the evidence outlined above, the variant was classified as likely pathogenic.

Fulgent Genetics
Classification: Likely pathogenic for Infantile neuroaxonal dystrophy; Neurodegeneration with brain iron accumulation 2B; Autosomal recessive Parkinson disease 14. Last evaluated: 2024-04-22. Review status: criteria provided, single submitter. Criteria: ACMG Guidelines, 2015. Collection method: clinical testing. Allele origin: germline.

Mendelics
Classification: Likely pathogenic for Infantile neuroaxonal dystrophy. Last evaluated: 2022-05-04. Review status: criteria provided, single submitter. Criteria: Mendelics Assertion Criteria 2019. Collection method: clinical testing. Allele origin: germline.

AiLife Diagnostics
Classification: Uncertain significance. Last evaluated: 2020-12-10. Review status: criteria provided, single submitter. Criteria: ACMG Guidelines, 2015. Collection method: clinical testing. Allele origin: germline. Affected: yes. Observed: 1 variant allele.

Illumina Laboratory Services, Illumina
Classification: Uncertain significance for PLA2G6-associated neurodegeneration. Last evaluated: 2018-01-13. Review status: criteria provided, single submitter. Criteria: ICSL Variant Classification Criteria 13 December 2019. Collection method: clinical testing. Allele origin: germline.

Solve-RD Consortium
Classification: Likely pathogenic for Neurodegeneration with brain iron accumulation 2B. Last evaluated: 2022-06-01. Review status: no assertion criteria provided. Collection method: provider interpretation. Allele origin: inherited. Affected: yes. Not counted in ClinVar's aggregate classification.
Comment: Variant confirmed as disease-causing by referring clinical team

Variant identified during reanalysis of unsolved cases by the Solve-RD project. The Solve-RD project has received funding from the European Union’s Horizon 2020 research and innovation programme under grant agreement No 779257.

Genomics England Pilot Project, Genomics England
Classification: Likely pathogenic for Autosomal recessive Parkinson disease 14. Review status: no assertion criteria provided. Criteria: ACGS Guidelines, 2016. Collection method: clinical testing. Allele origin: germline. Affected: yes. Not counted in ClinVar's aggregate classification.

Literature cited by the submitters: PubMed 29395073 (cited by 3 submitters); PubMed 29913018 (cited by Labcorp Genetics (formerly Invitae), Labcorp and Women's Health and Genetics/Laboratory Corporation of America, LabCorp); PubMed 30232368 (cited by 3 submitters); PubMed 33279242 (cited by Labcorp Genetics (formerly Invitae), Labcorp and Women's Health and Genetics/Laboratory Corporation of America, LabCorp); PubMed 34622992 (cited by Labcorp Genetics (formerly Invitae), Labcorp and Women's Health and Genetics/Laboratory Corporation of America, LabCorp); PubMed 29859652 (cited by Women's Health and Genetics/Laboratory Corporation of America, LabCorp); PubMed 39825153 (cited by Solve-RD Consortium).

NM_003560.4(PLA2G6):c.956C>T (p.Thr319Met)

Gene: PLA2G6 (phospholipase A2 group VI; minus strand). Cytogenetic location: 22q13.1.
Variant type: single nucleotide variant.
Coding change: c.956C>T on transcript NM_003560.4 (MANE Select); coding-DNA position 956, C replaced by T.
Protein change: p.Thr319Met; replaces threonine 319 with methionine.
Molecular consequence: missense variant.
Genome position (GRCh38, 1-based): chr22:38,132,952, G>A on the plus strand (C>T on the coding strand, the complement: PLA2G6 is on the minus strand). VCF-style: chr22-38132952-G-A. GRCh37 (hg19) VCF-style: chr22-38528959-G-A.
Other names: c.956C>T, p.Thr319Met (NM_001004426.3, NM_001199562.3, NM_001349864.2 and 2 more transcripts); c.422C>T, p.Thr141Met (NM_001349867.2, NM_001349869.2); c.278C>T, p.Thr93Met (NM_001349868.2); short protein forms T141M, T93M, T319M.
Identifiers: ClinVar variation 847008 (VCV000847008.28), dbSNP rs149653983, ClinGen allele CA10231083.